The following is an entry in ClinVar:

NM_000525.4(KCNJ11):c.24C>T (p.Ile8=)

Gene: KCNJ11 (potassium inwardly rectifying channel subfamily J member 11; minus strand). Cytogenetic location: 11p15.1.
Variant type: single nucleotide variant.
Coding change: c.24C>T on transcript NM_000525.4 (MANE Select); coding-DNA position 24, C replaced by T.
Protein change: p.Ile8=; no amino-acid change (isoleucine 8 retained).
Molecular consequence: synonymous variant. On other transcripts: 5 prime UTR variant (1), intron variant (2).
Genome position (GRCh38, 1-based): chr11:17,388,068, G>A on the plus strand (C>T on the coding strand, the complement: KCNJ11 is on the minus strand). VCF-style: chr11-17388068-G-A. GRCh37 (hg19) VCF-style: chr11-17409615-G-A.
Other names: c.24C>T (NM_000525.3); c.-67C>T (NM_001377296.1); c.-16-222C>T (NM_001166290.2, NM_001377297.1).
Identifiers: ClinVar variation 2098808 (VCV002098808.6), dbSNP rs1228103724, ClinGen allele CA473515740.
Genomic context (GRCh38, chr11:17,388,068, plus strand): 5'-GGCACGGTACCTGGGCTTGGCAGGGTCCTCTGCCAGGCGTGTCAGCACGTATTCCTCGGG[G>A]ATGATGCCCTTGCGGGACAGCATGGCTCCGGTGACCCCCAGGGAGGGGCTTCCCCCATCG-3'
Protein context (NP_000516.3, residues 1-18): MLSRKGI[Ile8=]PEEYVLTRLA

ClinVar aggregate classification (germline): Likely benign. Review status: criteria provided, single submitter (1 of 4 stars). 2 submissions from 2 submitters: Likely benign (1). 1 of the submissions does not count toward it. Last evaluated 2022-08-06.

Conditions:
KCNJ11-related disorder. Also called: KCNJ11-related condition; KCNJ11-related disorders.

Allele frequency attached by ClinVar (database versions not stated): gnomAD exomes below 0.00001; TOPMed 0.00001.
gnomAD v4.1: 1 of 1,611,690 alleles (0.000062%); highest among the groups gnomAD compares: Non-Finnish European, 0.000085%; no homozygotes.

Submissions (2):

Labcorp Genetics (formerly Invitae), Labcorp
Classification: Likely benign. Last evaluated: 2022-08-06. Review status: criteria provided, single submitter. Criteria: Invitae Variant Classification Sherloc (09022015). Collection method: clinical testing. Allele origin: germline.

PreventionGenetics, part of Exact Sciences
Classification: Likely benign for KCNJ11-related condition. Last evaluated: 2023-08-21. Review status: no assertion criteria provided. Collection method: clinical testing. Allele origin: germline. Not counted in ClinVar's aggregate classification.
Comment: This variant is classified as likely benign based on ACMG/AMP sequence variant interpretation guidelines (Richards et al. 2015 PMID: 25741868, with internal and published modifications).